The following is an entry in ClinVar:

NM_138691.3(TMC1):c.1616T>A (p.Ile539Asn)

Gene: TMC1 (transmembrane channel like 1; plus strand). Cytogenetic location: 9q21.13.
Variant type: single nucleotide variant.
Coding change: c.1616T>A on transcript NM_138691.3 (MANE Select); coding-DNA position 1616, T replaced by A.
Protein change: p.Ile539Asn; replaces isoleucine 539 with asparagine.
Molecular consequence: missense variant.
Genome position (GRCh38, 1-based): chr9:72,805,431, T>A. VCF-style: chr9-72805431-T-A. GRCh37 (hg19) VCF-style: chr9-75420347-T-A.
Other names: short protein forms I539N.
Identifiers: ClinVar variation 4801782 (VCV004801782.1).

ClinVar aggregate classification (germline): Uncertain significance (1 of 4 stars; one submission).

Submission:

Labcorp Genetics (formerly Invitae), Labcorp
Classification: Uncertain significance. Last evaluated: 2025-02-02. Review status: criteria provided, single submitter. Criteria: Invitae Variant Classification Sherloc (09022015). Collection method: clinical testing. Allele origin: germline.
Comment: This sequence change replaces isoleucine, which is neutral and non-polar, with asparagine, which is neutral and polar, at codon 539 of the TMC1 protein (p.Ile539Asn). This variant is not present in population databases (gnomAD no frequency). This variant has not been reported in the literature in individuals affected with TMC1-related conditions. Invitae Evidence Modeling of protein sequence and biophysical properties (such as structural, functional, and spatial information, amino acid conservation, physicochemical variation, residue mobility, and thermodynamic stability) has been performed for this missense variant. However, the output from this modeling did not meet the statistical confidence thresholds required to predict the impact of this variant on TMC1 protein function. In summary, the available evidence is currently insufficient to determine the role of this variant in disease. Therefore, it has been classified as a Variant of Uncertain Significance.